The following is an entry in ClinVar:

NM_003839.4(TNFRSF11A):c.1195del (p.Ser399fs)

Gene: TNFRSF11A (TNF receptor superfamily member 11a; plus strand). Cytogenetic location: 18q21.33.
Variant type: Deletion.
Coding change: c.1195del on transcript NM_003839.4 (MANE Select); coding-DNA position 1195, one base deleted (T; older notation c.1195delT).
Protein change: p.Ser399fs; shifts the reading frame from serine 399.
Molecular consequence: frameshift variant. On other transcripts: intron variant (3).
Genome position (GRCh38, 1-based): chr18:62,369,112, T deleted; the last of 2 consecutive T bases (chr18:62,369,111-62,369,112); deleting either gives the same sequence. VCF-style (leftmost placement, unchanged base first): chr18-62369110-GT-G. GRCh37 (hg19) VCF-style: chr18-60036343-GT-G.
Other names: c.1153del, p.Ser385fs (NM_001278268.2); c.783+2352del (NM_001270949.2); c.730+7319del (NM_001270950.2); c.616+9063del (NM_001270951.2); short protein forms S399fs, S385fs.
Identifiers: ClinVar variation 2794206 (VCV002794206.3), dbSNP rs1910319353, ClinGen allele CA2308289239.

ClinVar aggregate classification (germline): Uncertain significance (1 of 4 stars; one submission).

Submission:

Labcorp Genetics (formerly Invitae), Labcorp
Classification: Uncertain significance. Last evaluated: 2022-12-15. Review status: criteria provided, single submitter. Criteria: Invitae Variant Classification Sherloc (09022015). Collection method: clinical testing. Allele origin: germline.
Comment: This sequence change creates a premature translational stop signal (p.Ser399Glnfs*127) in the TNFRSF11A gene. While this is not anticipated to result in nonsense mediated decay, it is expected to disrupt the last 218 amino acid(s) of the TNFRSF11A protein. This variant is not present in population databases (gnomAD no frequency). This variant has not been reported in the literature in individuals affected with TNFRSF11A-related conditions. Experimental studies and prediction algorithms are not available or were not evaluated, and the functional significance of this variant is currently unknown. In summary, the available evidence is currently insufficient to determine the role of this variant in disease. Therefore, it has been classified as a Variant of Uncertain Significance.